The following is an entry in ClinVar:

ClinVar aggregate classification (germline): Benign. Review status: criteria provided, multiple submitters, no conflicts (2 of 4 stars). 6 submissions from 6 submitters: Benign (6). Last evaluated 2026-02-03.

Conditions:
Retinal cone dystrophy 4 (RCD4). Identifiers: Orphanet 1872, MedGen C1864849, MONDO:0012507, OMIM 610478.

Allele frequency attached by ClinVar (database versions not stated): 1000 Genomes Project 30x 0.01234; 1000 Genomes Project 0.01238; ESP Exome Variant Server 0.02067; TOPMed 0.02098; gnomAD 0.02191 and 0.02201; ExAC 0.02213; gnomAD exomes 0.02269 and 0.02682.
gnomAD v4.1: 42,681 of 1,612,218 alleles (2.6%); highest among the groups gnomAD compares: Middle Eastern, 3.6%; 742 homozygotes.

Submissions (6):

Labcorp Genetics (formerly Invitae), Labcorp
Classification: Benign. Last evaluated: 2026-02-03. Review status: criteria provided, single submitter. Criteria: Invitae Variant Classification Sherloc (09022015). Collection method: clinical testing. Allele origin: germline.

Blueprint Genetics
Classification: Benign. Last evaluated: 2024-11-27. Review status: criteria provided, single submitter. Criteria: ACMG Guidelines, 2015. Collection method: clinical testing. Allele origin: germline.

Genome-Nilou Lab
Classification: Benign for Retinal cone dystrophy 4. Last evaluated: 2021-07-14. Review status: criteria provided, single submitter. Criteria: ACMG Guidelines, 2015. Collection method: clinical testing. Allele origin: germline. Affected: no.

Illumina Laboratory Services, Illumina
Classification: Benign for Retinal cone dystrophy 4. Last evaluated: 2018-01-13. Review status: criteria provided, single submitter. Criteria: ICSL Variant Classification Criteria 13 December 2019. Collection method: clinical testing. Allele origin: germline.
Comment: This variant was observed in the ICSL laboratory as part of a predisposition screen in an ostensibly healthy population. It had not been previously curated by ICSL or reported in the Human Gene Mutation Database (HGMD: prior to June 1st, 2018), and was therefore a candidate for classification through an automated scoring system. Utilizing variant allele frequency, disease prevalence and penetrance estimates, and inheritance mode, an automated score was calculated to assess if this variant is too frequent to cause the disease. Based on the score and internal cut-off values, a variant classified as benign is not then subjected to further curation. The score for this variant resulted in a classification of benign for this disease.

Breakthrough Genomics
Classification: Benign. Review status: criteria provided, single submitter. Criteria: ACMG Guidelines, 2015. Collection method: not provided. Allele origin: germline. Inheritance: Autosomal recessive inheritance. Affected: yes.

PreventionGenetics, part of Exact Sciences
Classification: Benign. Review status: criteria provided, single submitter. Criteria: ACMG Guidelines, 2015. Collection method: clinical testing. Allele origin: germline.

NM_172364.5(CACNA2D4):c.2793-15G>A

Gene: CACNA2D4 (calcium voltage-gated channel auxiliary subunit alpha2delta 4; minus strand). Cytogenetic location: 12p13.33.
Variant type: single nucleotide variant.
Coding change: c.2793-15G>A on transcript NM_172364.5 (MANE Select); 15 bases into the intron before coding-DNA position 2793, G replaced by A.
Molecular consequence: intron variant.
Genome position (GRCh38, 1-based): chr12:1,801,133, C>T on the plus strand (G>A on the coding strand, the complement: CACNA2D4 is on the minus strand). VCF-style: chr12-1801133-C-T. GRCh37 (hg19) VCF-style: chr12-1910299-C-T.
Identifiers: ClinVar variation 262817 (VCV000262817.19), dbSNP rs147575839, ClinGen allele CA6386191.